The following is an entry in ClinVar:

ClinVar aggregate classification (germline): Uncertain significance. Review status: criteria provided, multiple submitters, no conflicts (2 of 4 stars). 3 submissions from 3 submitters: Uncertain significance (3). Last evaluated 2026-01-11.

Conditions:
Inborn genetic diseases. Identifiers: MedGen C0950123, MeSH D030342.
COL7A1-related disorder. Also called: COL7A1- related disorders; COL7A1-related condition.

Allele frequency attached by ClinVar (database versions not stated): ExAC 0.00002; gnomAD exomes 0.00003; gnomAD 0.00004; TOPMed 0.00005.
gnomAD v4.1: 49 of 1,611,690 alleles (0.003%); highest among the groups gnomAD compares: African/African-American, 0.0053%; no homozygotes.

Submissions (3):

Labcorp Genetics (formerly Invitae), Labcorp
Classification: Uncertain significance. Last evaluated: 2026-01-11. Review status: criteria provided, single submitter. Criteria: Invitae Variant Classification Sherloc (09022015). Collection method: clinical testing. Allele origin: germline.
Comment: This sequence change replaces alanine, which is neutral and non-polar, with valine, which is neutral and non-polar, at codon 74 of the COL7A1 protein (p.Ala74Val). This variant is present in population databases (rs764297570, gnomAD 0.005%). This variant has not been reported in the literature in individuals affected with COL7A1-related conditions. ClinVar contains an entry for this variant (Variation ID: 2153180). Invitae Evidence Modeling of protein sequence and biophysical properties (such as structural, functional, and spatial information, amino acid conservation, physicochemical variation, residue mobility, and thermodynamic stability) indicates that this missense variant is not expected to disrupt COL7A1 protein function with a negative predictive value of 95%. In summary, the available evidence is currently insufficient to determine the role of this variant in disease. Therefore, it has been classified as a Variant of Uncertain Significance.

PreventionGenetics, part of Exact Sciences
Classification: Uncertain significance for COL7A1-related condition. Last evaluated: 2025-11-13. Review status: criteria provided, single submitter. Criteria: ACMG Guidelines, 2015. Collection method: clinical testing. Allele origin: germline.
Comment: The COL7A1 c.221C>T variant is predicted to result in the amino acid substitution p.Ala74Val. To our knowledge, this variant has not been reported in the literature. This variant is reported in 0.0047% of alleles in individuals of European (Non-Finnish) descent in gnomAD. At this time, the clinical significance of this variant is uncertain due to the absence of conclusive functional and genetic evidence.

Ambry Genetics
Classification: Uncertain significance for Inborn genetic diseases. Last evaluated: 2025-09-01. Review status: criteria provided, single submitter. Criteria: Ambry Variant Classification Scheme 2023. Collection method: clinical testing. Allele origin: germline.

NM_000094.4(COL7A1):c.221C>T (p.Ala74Val)

Gene: COL7A1 (collagen type VII alpha 1 chain; minus strand). Cytogenetic location: 3p21.31.
Variant type: single nucleotide variant.
Coding change: c.221C>T on transcript NM_000094.4 (MANE Select); coding-DNA position 221, C replaced by T.
Protein change: p.Ala74Val; replaces alanine 74 with valine.
Molecular consequence: missense variant.
Genome position (GRCh38, 1-based): chr3:48,594,413, G>A on the plus strand (C>T on the coding strand, the complement: COL7A1 is on the minus strand). VCF-style: chr3-48594413-G-A. GRCh37 (hg19) VCF-style: chr3-48631846-G-A.
Other names: short protein forms A74V.
Identifiers: ClinVar variation 2153180 (VCV002153180.4), dbSNP rs764297570, ClinGen allele CA2381618.